The following is an entry in ClinVar:

ClinVar aggregate classification (germline): Likely pathogenic. Review status: criteria provided, single submitter (1 of 4 stars). 2 submissions from 2 submitters: Likely pathogenic (1). 1 of the submissions does not count toward it. Last evaluated 2025-12-02.

Conditions:
Retinitis pigmentosa with or without extraocular features.
RETINITIS PIGMENTOSA 108 (RP108). Identifiers: MedGen CN382137, OMIM 621637.

Submissions (2):

Ophthalmic Genetics Group, Institute of Molecular and Clinical Ophthalmology Basel
Classification: Likely pathogenic for Retinitis pigmentosa with or without extraocular features. Last evaluated: 2025-12-02. Review status: criteria provided, single submitter. Criteria: ACMG Guidelines, 2015. Collection method: research. Allele origin: germline. Affected: yes. Observed: 1 variant allele.
Comment: This stopgain change introduces a premature termination codon at amino acid position 414, and likely results in nonsense-mediated mRNA decay. This variant is not present in gnomAD v4.1 database. This variant was classified as Likely pathogenic based on ACMG criteria: PVS1, PM2_sup.

OMIM
Classification: Pathogenic for RETINITIS PIGMENTOSA 108. Last evaluated: 2026-06-29. Review status: no assertion criteria provided. Collection method: literature only. Allele origin: germline. Not counted in ClinVar's aggregate classification.

Literature cited by the submitters: PubMed 41742423 (cited by Ophthalmic Genetics Group, Institute of Molecular and Clinical Ophthalmology Basel and OMIM).

NM_001354969.2(SAXO6):c.1240A>T (p.Lys414Ter)

Gene: SAXO6 (stabilizer of axonemal microtubules 6; minus strand). Cytogenetic location: 12q15.
Variant type: single nucleotide variant.
Coding change: c.1240A>T on transcript NM_001354969.2 (MANE Select); coding-DNA position 1240, A replaced by T.
Protein change: p.Lys414Ter; replaces lysine 414 with a stop codon.
Molecular consequence: nonsense.
Genome position (GRCh38, 1-based): chr12:68,315,237, T>A on the plus strand (A>T on the coding strand, the complement: SAXO6 is on the minus strand). VCF-style: chr12-68315237-T-A. GRCh37 (hg19) VCF-style: chr12-68709017-T-A.
Other names: NC_000012.12:g.68315237T>A I NP_001341898.1:p.(Lys414Ter); c.1105A>T, p.Lys369Ter (NM_001205028.3); c.1090A>T, p.Lys364Ter (NM_001354970.2); c.400A>T, p.Lys134Ter (NM_001354971.2, NM_001354972.2, NM_001354973.2 and 1 more transcripts); c.370A>T, p.Lys124Ter (NM_001354974.2); c.1210A>T, p.Lys404Ter (NM_017440.6); short protein forms K124*, K134*, K364*, K369*, K404*, K414*.
Identifiers: ClinVar variation 4813669 (VCV004813669.2).
Genomic context (GRCh38, chr12:68,315,237, plus strand): 5'-TTTTCTGGGGCTGTTCTTCCACGATATTTCCTTTTTCTTCTGGTTCTGTAGAAGGACATT[T>A]CTGCAAAGTCTTATGGCTTGTAGGATCTCTGCGTAACAAAATCAATTTTATTTTAAATGT-3'